The following is an entry in ClinVar:

ClinVar aggregate classification (germline): Likely pathogenic. Review status: criteria provided, multiple submitters, no conflicts (2 of 4 stars). 2 submissions from 2 submitters: Likely pathogenic (2). Last evaluated 2026-06-26.

Conditions:
Cardiovascular phenotype. Identifiers: MedGen CN230736.

Submissions (2):

Ambry Genetics
Classification: Likely pathogenic for Cardiovascular phenotype. Last evaluated: 2026-06-26. Review status: criteria provided, single submitter. Criteria: Ambry Variant Classification Scheme 2023. Collection method: clinical testing. Allele origin: germline.
Comment: The p.Y24362* variant (also known as c.73086C>G), located in coding exon 184 of the TTN gene, results from a C to G substitution at nucleotide position 73086. This changes the amino acid from a tyrosine to a stop codon within coding exon 184. This exon is located in the A-band region of the N2-B isoform of the titin protein and is constitutively expressed in TTN transcripts (percent spliced in or PSI 100%). This variant is considered to be rare based on population cohorts in the Genome Aggregation Database (gnomAD). This variant is expected to result in loss of function by premature protein truncation or nonsense-mediated mRNA decay. While truncating variants in TTN are present in 1-3% of the general population, truncating variants in the A-band are the most common cause of dilated cardiomyopathy (Herman DS et al. N. Engl. J. Med., 2012 Feb;366:619-28; Roberts AM et al. Sci Transl Med, 2015 Jan;7:270ra6). TTN truncating variants encoded in constitutive exons (PSI >90%) have been found to be significantly associated with DCM regardless of their position in titin (Schafer S et al. Nat. Genet., 2017 01;49:46-53; Akhtar MM et al. Circ Heart Fail, 2020 Oct;13:e006832; Massier M et al. Clin Genet, 2025 Jan). Based on the majority of available evidence to date, this variant is likely to be pathogenic.

GeneDx
Classification: Likely pathogenic. Last evaluated: 2025-08-22. Review status: criteria provided, single submitter. Criteria: GeneDx Variant Classification Process June 2021. Collection method: clinical testing. Allele origin: germline. Affected: yes.
Comment: Nonsense variant predicted to result in protein truncation or nonsense mediated decay in a gene for which loss of function is a known mechanism of disease; Not observed at significant frequency in large population cohorts (gnomAD); Has not been previously published as pathogenic or benign to our knowledge; Located in the A-band, a region of TTN for which truncating variants are significantly associated with autosomal dominant cardiomyopathy and also with autosomal recessive skeletal myopathies (PMID: 22335739, 32778822); This variant is associated with the following publications: (PMID: 22335739, 32778822)

NM_001267550.2(TTN):c.100281C>G (p.Tyr33427Ter)

Genes: TTN (titin; minus strand), TTN-AS1 (TTN antisense RNA 1; plus strand), LOC126806420 (BRD4-independent group 4 enhancer GRCh37_chr2:179401104-179402303; plus strand). Cytogenetic location: 2q31.2.
Variant type: single nucleotide variant.
Coding change: c.100281C>G on transcript NM_001267550.2 (MANE Select); coding-DNA position 100281, C replaced by G.
Protein change: p.Tyr33427Ter; replaces tyrosine 33427 with a stop codon.
Molecular consequence: nonsense.
Genome position (GRCh38, 1-based): chr2:178,536,466, G>C on the plus strand (C>G on the coding strand, the complement: TTN is on the minus strand). VCF-style: chr2-178536466-G-C. GRCh37 (hg19) VCF-style: chr2-179401193-G-C.
Other names: c.95358C>G, p.Tyr31786Ter (NM_001256850.1); c.73086C>G, p.Tyr24362Ter (NM_003319.4); c.92577C>G, p.Tyr30859Ter (NM_133378.4); c.73461C>G, p.Tyr24487Ter (NM_133432.3); c.73662C>G, p.Tyr24554Ter (NM_133437.4); short protein forms Y24362*, Y24487*, Y24554*, Y30859*, Y31786*, Y33427*.
Identifiers: ClinVar variation 2501478 (VCV002501478.3), dbSNP rs373085562, ClinGen allele CA349426366.